The following is an entry in ClinVar:

NM_014956.5(CEP164):c.40_41del (p.Leu14fs)

Gene: CEP164 (centrosomal protein 164; plus strand). Cytogenetic location: 11q23.3.
Variant type: Deletion.
Coding change: c.40_41del on transcript NM_014956.5 (MANE Select); coding-DNA positions 40 to 41, 2 bases deleted (CT; older notation c.40_41delCT).
Protein change: p.Leu14fs; shifts the reading frame from leucine 14.
Molecular consequence: frameshift variant.
Genome position (GRCh38, 1-based): chr11:117,338,626-117,338,627, CT deleted; deleting any 2 consecutive bases within chr11:117,338,625-117,338,627 gives the same sequence; the c. name uses the placement nearest the transcript's 3' end. VCF-style (leftmost placement, unchanged base first): chr11-117338624-TTC-T. GRCh37 (hg19) VCF-style: chr11-117209340-TTC-T.
Other names: c.40_41del, p.Leu14fs (NM_001271933.2); short protein forms L14fs.
Identifiers: ClinVar variation 2040387 (VCV002040387.4), dbSNP rs2540315938, ClinGen allele CA2580083486.

ClinVar aggregate classification (germline): Pathogenic (1 of 4 stars; one submission).

Conditions:
Nephronophthisis 15 (NPHP15). Identifiers: Orphanet 3156, MedGen C3541853, MONDO:0013917, OMIM 614845.

Submission:

Labcorp Genetics (formerly Invitae), Labcorp
Classification: Pathogenic for Nephronophthisis 15. Last evaluated: 2021-12-18. Review status: criteria provided, single submitter. Criteria: Invitae Variant Classification Sherloc (09022015). Collection method: clinical testing. Allele origin: germline.
Comment: For these reasons, this variant has been classified as Pathogenic. This variant has not been reported in the literature in individuals affected with CEP164-related conditions. This variant is not present in population databases (gnomAD no frequency). This sequence change creates a premature translational stop signal (p.Leu14Glyfs*5) in the CEP164 gene. It is expected to result in an absent or disrupted protein product. Loss-of-function variants in CEP164 are known to be pathogenic (PMID: 22863007, 28125082, 32367404, 34132027, 34499853).

Literature cited by the submitters: PubMed 22863007; PubMed 28125082; PubMed 32367404; PubMed 34132027; PubMed 34499853.